The following is an entry in ClinVar:

NM_001457.4(FLNB):c.7392C>T (p.Gly2464=)

Genes: FLNB (filamin B; plus strand), FLNB-AS1 (FLNB antisense RNA 1; minus strand). Cytogenetic location: 3p14.3.
Variant type: single nucleotide variant.
Coding change: c.7392C>T on transcript NM_001457.4 (MANE Select); coding-DNA position 7392, C replaced by T.
Protein change: p.Gly2464=; no amino-acid change (glycine 2464 retained).
Molecular consequence: synonymous variant.
Genome position (GRCh38, 1-based): chr3:58,168,633, C>T. VCF-style: chr3-58168633-C-T. GRCh37 (hg19) VCF-style: chr3-58154360-C-T.
Other names: c.7485C>T, p.Gly2495= (NM_001164317.2); c.7359C>T, p.Gly2453= (NM_001164318.2); c.7320C>T, p.Gly2440= (NM_001164319.2).
Identifiers: ClinVar variation 4995364 (VCV004995364.1).

ClinVar aggregate classification (germline): Likely benign (1 of 4 stars; one submission).

Conditions:
FLNB-related disorder. Also called: FLNB-related condition; FLNB-related disorders. Identifiers: MedGen CN381095.

Submission:

PreventionGenetics, part of Exact Sciences
Classification: Likely benign for FLNB-related condition. Last evaluated: 2026-02-04. Review status: criteria provided, single submitter. Criteria: ACMG Guidelines, 2015. Collection method: clinical testing. Allele origin: germline.
Comment: This variant is classified as likely benign based on ACMG/AMP sequence variant interpretation guidelines (Richards et al. 2015 PMID: 25741868, with internal and published modifications).